The following is an entry in ClinVar:

ClinVar aggregate classification (germline): Uncertain significance (1 of 4 stars; one submission).

Conditions:
Early Myoclonic Encephalopathy. Identifiers: MedGen C0270855.

gnomAD v4.1: 1 of 1,604,372 alleles (0.000062%); highest among the groups gnomAD compares: Non-Finnish European, 0.000085%; no homozygotes.

Submission:

Labcorp Genetics (formerly Invitae), Labcorp
Classification: Uncertain significance for Early Myoclonic Encephalopathy. Last evaluated: 2025-11-25. Review status: criteria provided, single submitter. Criteria: Invitae Variant Classification Sherloc (09022015). Collection method: clinical testing. Allele origin: germline.
Comment: This sequence change replaces glycine, which is neutral and non-polar, with glutamic acid, which is acidic and polar, at codon 2354 of the JMJD1C protein (p.Gly2354Glu). This variant is not present in population databases (gnomAD no frequency). This variant has not been reported in the literature in individuals affected with JMJD1C-related conditions. Invitae Evidence Modeling of protein sequence and biophysical properties (such as structural, functional, and spatial information, amino acid conservation, physicochemical variation, residue mobility, and thermodynamic stability) indicates that this missense variant is expected to disrupt JMJD1C protein function with a positive predictive value of 80%. In summary, the available evidence is currently insufficient to determine the role of this variant in disease. Therefore, it has been classified as a Variant of Uncertain Significance.

NM_032776.3(JMJD1C):c.7061G>A (p.Gly2354Glu)

Gene: JMJD1C (jumonji domain containing 1C; minus strand). Cytogenetic location: 10q21.3.
Variant type: single nucleotide variant.
Coding change: c.7061G>A on transcript NM_032776.3 (MANE Select); coding-DNA position 7061, G replaced by A.
Protein change: p.Gly2354Glu; replaces glycine 2354 with glutamic acid.
Molecular consequence: missense variant. On other transcripts: non-coding transcript variant (1).
Genome position (GRCh38, 1-based): chr10:63,183,470, C>T on the plus strand (G>A on the coding strand, the complement: JMJD1C is on the minus strand). VCF-style: chr10-63183470-C-T. GRCh37 (hg19) VCF-style: chr10-64943230-C-T.
Other names: c.6515G>A, p.Gly2172Glu (NM_001282948.2, NM_001318154.2); c.6197G>A, p.Gly2066Glu (NM_001318153.2); c.6947G>A, p.Gly2316Glu (NM_001322252.2); c.6404G>A, p.Gly2135Glu (NM_001322254.2, NM_001322258.2); short protein forms G2316E, G2066E, G2135E, G2172E, G2354E.
Identifiers: ClinVar variation 4745107 (VCV004745107.1).
Genomic context (GRCh38, chr10:63,183,470, plus strand): 5'-CTCTTATTTCAAAGACTACTTATTCTTTTAAGTTTACCTGCTTTTGAGAGAATGCCATTT[C>T]CTTTTGCTATGCCAACATAAACTAGTATATTTACAACATCAGAAACTTCAATATGGAGAT-3'
Protein context (NP_116165.1, residues 2344-2364): NILVYVGIAK[Gly2354Glu]NGILSKAGIL